The following is an entry in ClinVar:

NM_144498.4(OSBPL2):c.1038C>T (p.Asp346=)

Gene: OSBPL2 (oxysterol binding protein like 2; plus strand). Cytogenetic location: 20q13.33.
Variant type: single nucleotide variant.
Coding change: c.1038C>T on transcript NM_144498.4 (MANE Select); coding-DNA position 1038, C replaced by T.
Protein change: p.Asp346=; no amino-acid change (aspartic acid 346 retained).
Molecular consequence: synonymous variant.
Genome position (GRCh38, 1-based): chr20:62,286,624, C>T. VCF-style: chr20-62286624-C-T. GRCh37 (hg19) VCF-style: chr20-60861680-C-T.
Other names: c.762C>T, p.Asp254= (NM_001278649.3, NM_001363878.2); c.1002C>T, p.Asp334= (NM_014835.5); c.1038C>T (NM_144498.2).
Identifiers: ClinVar variation 2187808 (VCV002187808.7), dbSNP rs199654124, ClinGen allele CA9938684.
Genomic context (GRCh38, chr20:62,286,624, plus strand): 5'-GCAGGGTTCTGTGTTTCAGGATGAAGACTCCGGGAAGGCTGACAGCGACGTGGCTGACGA[C>T]GTGCCTGTGGCCCAGGAGACCGTGCAGGTCATTCCTGGCAGCAAGCTGCTCTGGAGGATC-3'
Protein context (NP_653081.1, residues 336-356): SGKADSDVAD[Asp346=]VPVAQETVQV

ClinVar aggregate classification (germline): Likely benign. Review status: criteria provided, multiple submitters, no conflicts (2 of 4 stars). 3 submissions from 3 submitters: Likely benign (2). 1 of the submissions does not count toward it. Last evaluated 2025-12-08.

Conditions:
OSBPL2-related disorder. Also called: OSBPL2-related condition.

Allele frequency attached by ClinVar (database versions not stated): ExAC 0.00004; gnomAD 0.00007; TOPMed 0.00008.

Submissions (3):

Labcorp Genetics (formerly Invitae), Labcorp
Classification: Likely benign. Last evaluated: 2025-12-08. Review status: criteria provided, single submitter. Criteria: Invitae Variant Classification Sherloc (09022015). Collection method: clinical testing. Allele origin: germline.

Blueprint Genetics
Classification: Likely benign. Last evaluated: 2024-11-06. Review status: criteria provided, single submitter. Criteria: ACMG Guidelines, 2015. Collection method: clinical testing. Allele origin: germline.

PreventionGenetics, part of Exact Sciences
Classification: Likely benign for OSBPL2-related condition. Last evaluated: 2024-08-23. Review status: no assertion criteria provided. Collection method: clinical testing. Allele origin: germline. Not counted in ClinVar's aggregate classification.
Comment: This variant is classified as likely benign based on ACMG/AMP sequence variant interpretation guidelines (Richards et al. 2015 PMID: 25741868, with internal and published modifications).